The following is an entry in ClinVar:

NM_001943.5(DSG2):c.216G>T (p.Lys72Asn)

Gene: DSG2 (desmoglein 2; plus strand). Cytogenetic location: 18q12.1.
Variant type: single nucleotide variant.
Coding change: c.216G>T on transcript NM_001943.5 (MANE Select); coding-DNA position 216, G replaced by T.
Protein change: p.Lys72Asn; replaces lysine 72 with asparagine.
Molecular consequence: missense variant.
Genome position (GRCh38, 1-based): chr18:31,519,937, G>T. VCF-style: chr18-31519937-G-T. GRCh37 (hg19) VCF-style: chr18-29099900-G-T.
Other names: short protein forms K72N.
Identifiers: ClinVar variation 925490 (VCV000925490.3), dbSNP rs2073118602, ClinGen allele CA402131074.

ClinVar aggregate classification (germline): Uncertain significance (1 of 4 stars; one submission).

Conditions:
Cardiomyopathy (CMYO). Also called: Cardiomyopathies. Identifiers: Orphanet 167848, MedGen C0878544, MONDO:0004994, HP:0001638. Inheritance: Various modes of inheritance.

gnomAD v4.1: 1 of 1,614,084 alleles (0.000062%); highest among the groups gnomAD compares: Non-Finnish European, 0.000085%; no homozygotes.

Submission:

Color Diagnostics, LLC DBA Color Health
Classification: Uncertain significance for Cardiomyopathy. Last evaluated: 2019-03-21. Review status: criteria provided, single submitter. Criteria: ACMG Guidelines, 2015. Collection method: clinical testing. Allele origin: germline.
Comment: Variant of Uncertain Significance due to insufficient evidence: This missense variant replaces lysine with asparagine at codon 72 of the DSG2 protein. Computational prediction tools and conservation analyses are inconclusive regarding the impact of this variant on the protein function. This variant alters the last nucleotide of exon 3, and computational splicing tools suggest that this variant may impact RNA splicing. To our knowledge, functional assays have not been performed for this variant. This variant has been reported in an individual affected with hypertrophic cardiomyopathy (Bonaventura 2018). This variant has not been identified in the general population by the Genome Aggregation Database (gnomAD). Available evidence is insufficient to determine the role of this variant in disease conclusively.